The following is an entry in ClinVar:

NM_022455.5(NSD1):c.2290G>C (p.Glu764Gln)

Gene: NSD1 (nuclear receptor binding SET domain protein 1; plus strand). Cytogenetic location: 5q35.3.
Variant type: single nucleotide variant.
Coding change: c.2290G>C on transcript NM_022455.5 (MANE Select); coding-DNA position 2290, G replaced by C.
Protein change: p.Glu764Gln; replaces glutamic acid 764 with glutamine.
Molecular consequence: missense variant.
Genome position (GRCh38, 1-based): chr5:177,210,689, G>C. VCF-style: chr5-177210689-G-C. GRCh37 (hg19) VCF-style: chr5-176637690-G-C.
Other names: c.1417G>C, p.Glu473Gln (NM_001365684.2, NM_001409306.1, NM_001409307.1 and 3 more transcripts); c.2290G>C, p.Glu764Gln (NM_001409301.1, NM_001409302.1, NM_001409303.1); c.1870G>C, p.Glu624Gln (NM_001409304.1); c.1537G>C, p.Glu513Gln (NM_001409305.1); short protein forms E624Q, E513Q, E764Q, E473Q, E495Q.
Identifiers: ClinVar variation 1997353 (VCV001997353.4), dbSNP rs2149845132, ClinGen allele CA362315166.

ClinVar aggregate classification (germline): Uncertain significance (1 of 4 stars; one submission).

Submission:

Labcorp Genetics (formerly Invitae), Labcorp
Classification: Uncertain significance. Last evaluated: 2022-05-21. Review status: criteria provided, single submitter. Criteria: Invitae Variant Classification Sherloc (09022015). Collection method: clinical testing. Allele origin: germline.
Comment: In summary, the available evidence is currently insufficient to determine the role of this variant in disease. Therefore, it has been classified as a Variant of Uncertain Significance. Advanced modeling of protein sequence and biophysical properties (such as structural, functional, and spatial information, amino acid conservation, physicochemical variation, residue mobility, and thermodynamic stability) performed at Invitae indicates that this missense variant is not expected to disrupt NSD1 protein function. This variant has not been reported in the literature in individuals affected with NSD1-related conditions. This variant is not present in population databases (gnomAD no frequency). This sequence change replaces glutamic acid, which is acidic and polar, with glutamine, which is neutral and polar, at codon 764 of the NSD1 protein (p.Glu764Gln).